The following is an entry in ClinVar:

NM_005670.4(EPM2A):c.757_758dup (p.Ala254fs)

Gene: EPM2A (EPM2A glucan phosphatase, laforin; minus strand). Cytogenetic location: 6q24.3.
Variant type: Duplication.
Coding change: c.757_758dup on transcript NM_005670.4 (MANE Select); coding-DNA positions 757 to 758, 2 bases duplicated (CA; older notation c.757_758dupCA).
Protein change: p.Ala254fs; shifts the reading frame from alanine 254.
Molecular consequence: frameshift variant. On other transcripts: non-coding transcript variant (1).
Genome position (GRCh38, 1-based): chr6:145,627,654-145,627,655, TG duplicated on the plus strand (CA on the coding strand, the reverse complement: EPM2A is on the minus strand). VCF-style (leftmost placement, unchanged base first): chr6-145627653-A-ATG. GRCh37 (hg19) VCF-style: chr6-145948789-A-ATG.
Other names: NR_153398.2:n.330_331dup; c.757_758dup, p.Ala254fs (NM_001018041.2); c.515_516dup, p.Cys173fs (NM_001360057.2); c.343_344dup, p.Ala116fs (NM_001360064.2, NM_001360071.2, NM_001368131.1); c.295_296dup, p.Ala100fs (NM_001368129.2, NM_001368132.1); short protein forms A100fs, A116fs, A254fs, C173fs.
Identifiers: ClinVar variation 3776802 (VCV003776802.1), dbSNP rs754954540.

ClinVar aggregate classification (germline): Uncertain significance (1 of 4 stars; one submission).

Conditions:
Lafora disease. Also called: Epilepsy progressive myoclonic 2. Identifiers: Orphanet 501, MedGen C0751783, MONDO:0009697.

Submission:

Broad Center for Mendelian Genomics, Broad Institute of MIT and Harvard
Classification: Uncertain significance for Lafora disease. Last evaluated: 2025-01-03. Review status: criteria provided, single submitter. Criteria: ACMG Guidelines, 2015. Collection method: curation. Allele origin: germline. Inheritance: Autosomal recessive inheritance.
Comment: The p.Ala254MetfsTer variant in EPM2A has been reported in 1 individual with Lafora disease (PMID: 34195479), and has been identified in 0.003% (32/1179994) of European (non-Finnish) chromosomes by the Genome Aggregation Database (gnomAD; dbSNP rs754954540). Although this variant has been seen in the general population in a heterozygous state, its frequency is low enough to be consistent with a recessive carrier frequency. This variant is predicted to cause a frameshift, which alters the protein‚Äôs amino acid sequence beginning at position 254 and leads to a premature termination codon 32 amino acids downstream. This termination codon occurs within the last exon and is more likely to escape nonsense mediated decay (NMD) and result in a truncated protein. Loss of function of the EPM2A gene is an established disease mechanism in autosomal recessive Lafora Disease. In summary, the clinical significance of the p.Ala254MetfsTer variant is uncertain. ACMG/AMP Criteria applied: PVS1_strong, PM2_supporting (Richards 2015).